The following is an entry in ClinVar:

ClinVar aggregate classification (germline): Uncertain significance (1 of 4 stars; one submission).

Conditions:
Inborn genetic diseases. Identifiers: MedGen C0950123, MeSH D030342.

gnomAD v4.1: 6 of 1,613,964 alleles (0.00037%); highest among the groups gnomAD compares: Non-Finnish European, 0.00051%; no homozygotes.

Submission:

Ambry Genetics
Classification: Uncertain significance for Inborn genetic diseases. Last evaluated: 2025-11-03. Review status: criteria provided, single submitter. Criteria: Ambry Variant Classification Scheme 2023. Collection method: clinical testing. Allele origin: germline.
Comment: The p.I380M variant (also known as c.1140C>G), located in coding exon 9 of the BMPR2 gene, results from a C to G substitution at nucleotide position 1140. The isoleucine at codon 380 is replaced by methionine, an amino acid with highly similar properties. This amino acid position is conserved. In addition, this alteration is predicted to be deleterious by in silico analysis. Based on the available evidence, the clinical significance of this variant remains unclear.

NM_001204.7(BMPR2):c.1140C>G (p.Ile380Met)

Gene: BMPR2 (bone morphogenetic protein receptor type 2; plus strand). Cytogenetic location: 2q33.2.
Variant type: single nucleotide variant.
Coding change: c.1140C>G on transcript NM_001204.7 (MANE Select); coding-DNA position 1140, C replaced by G.
Protein change: p.Ile380Met; replaces isoleucine 380 with methionine.
Molecular consequence: missense variant.
Genome position (GRCh38, 1-based): chr2:202,532,596, C>G. VCF-style: chr2-202532596-C-G. GRCh37 (hg19) VCF-style: chr2-203397319-C-G.
Other names: short protein forms I380M.
Identifiers: ClinVar variation 4597644 (VCV004597644.1).